The following is an entry in ClinVar:

ClinVar aggregate classification (germline): Conflicting classifications of pathogenicity. Review status: criteria provided, conflicting classifications (1 of 4 stars). 2 submissions from 2 submitters: Uncertain significance (1); Likely benign (1). Last evaluated 2023-03-23.

Conditions:
Hereditary cancer-predisposing syndrome. Also called: Neoplastic Syndromes, Hereditary; Hereditary Cancer Syndrome; Hereditary neoplastic syndrome; Tumor predisposition. Identifiers: Orphanet 140162, MedGen C0027672, MeSH D009386, MONDO:0015356.
Hereditary breast ovarian cancer syndrome. Also called: Hereditary breast and/or ovarian cancer syndrome; Breast and ovarian cancer; BRCA1- and BRCA2-Associated Hereditary Breast and Ovarian Cancer; Hereditary breast and ovarian cancer syndrome; Hereditary breast and ovarian cancer syndrome (HBOC); Hereditary breast and ovarian cancer. Identifiers: Orphanet 145, MedGen C0677776, MeSH D061325, MONDO:0003582. Disease mechanism: loss of function.

Submissions (2):

University of Washington Department of Laboratory Medicine, University of Washington
Classification: Likely benign for Hereditary cancer-predisposing syndrome. Last evaluated: 2023-03-23. Review status: criteria provided, single submitter. Criteria: Dines et al. (Genet Med. 2020). Collection method: curation. Allele origin: germline.
Comment: Missense variant in a coldspot region where missense variants are very unlikely to be pathogenic (PMID:31911673).

BRCA1 coldspot (exon 11 using historical exon numbering). Reclassification based on statistical prior probability

Labcorp Genetics (formerly Invitae), Labcorp
Classification: Uncertain significance for Hereditary breast ovarian cancer syndrome. Last evaluated: 2020-10-14. Review status: criteria provided, single submitter. Criteria: Invitae Variant Classification Sherloc (09022015). Collection method: clinical testing. Allele origin: germline.
Comment: In summary, the available evidence is currently insufficient to determine the role of this variant in disease. Therefore, it has been classified as a Variant of Uncertain Significance. Advanced modeling of protein sequence and biophysical properties (such as structural, functional, and spatial information, amino acid conservation, physicochemical variation, residue mobility, and thermodynamic stability) performed at Invitae indicates that this missense variant is not expected to disrupt BRCA1 protein function. This variant has not been reported in the literature in individuals with BRCA1-related conditions. This variant is not present in population databases (ExAC no frequency). This sequence change replaces serine with arginine at codon 324 of the BRCA1 protein (p.Ser324Arg). The serine residue is moderately conserved and there is a moderate physicochemical difference between serine and arginine.

NM_007294.4(BRCA1):c.972T>G (p.Ser324Arg)

Gene: BRCA1 (BRCA1 DNA repair associated; minus strand). Cytogenetic location: 17q21.31.
Variant type: single nucleotide variant.
Coding change: c.972T>G on transcript NM_007294.4 (MANE Select); coding-DNA position 972, T replaced by G.
Protein change: p.Ser324Arg; replaces serine 324 with arginine.
Molecular consequence: missense variant. On other transcripts: intron variant (137).
Genome position (GRCh38, 1-based): chr17:43,094,559, A>C on the plus strand (T>G on the coding strand, the complement: BRCA1 is on the minus strand). VCF-style: chr17-43094559-A-C. GRCh37 (hg19) VCF-style: chr17-41246576-A-C.
Other names: c.574+185T>G (NM_001408491.1, NM_001408493.1, NM_001408490.1); c.460+1287T>G (NM_001408506.1, NM_001408507.1); c.577+185T>G (NM_001408481.1, NM_001408480.1, NM_001408492.1 and 9 more transcripts); c.778+185T>G (NM_001408408.1); c.661+185T>G (NM_001408446.1, NM_001408435.1, NM_001408448.1 and 6 more transcripts); c.784+185T>G (NM_001408401.1, NM_001408396.1, NM_001407985.1 and 13 more transcripts); c.548-3527T>G (NM_001408494.1); c.664+185T>G (NM_001408444.1, NM_001408438.1, NM_001408430.1 and 12 more transcripts); and 40 more; short protein forms S277R, S324R, S156R, S196R, S235R, S297R, S323R, S212R.
Identifiers: ClinVar variation 1061970 (VCV001061970.12), dbSNP rs2154481654, ClinGen allele CA10600118.
Genomic context (GRCh38, chr17:43,094,559, plus strand): 5'-AGCATTCAGATCTACCTTTTTTTCTGTGCTGGGAGTCCGCCTATCATTACATGTTTCCTT[A>C]CTTCCAGCCCATCTGTTATGTTGGCTCCTTGCTAAGCCAGGCTGTTTGCTTTTATTACAG-3'
Protein context (NP_009225.1, residues 314-334): ARSQHNRWAG[Ser324Arg]KETCNDRRTP